The following is an entry in ClinVar:

NM_005189.3(CBX2):c.825G>A (p.Ala275=)

Gene: CBX2 (chromobox 2; plus strand). Cytogenetic location: 17q25.3.
Variant type: single nucleotide variant.
Coding change: c.825G>A on transcript NM_005189.3 (MANE Select); coding-DNA position 825, G replaced by A.
Protein change: p.Ala275=; no amino-acid change (alanine 275 retained).
Molecular consequence: synonymous variant.
Genome position (GRCh38, 1-based): chr17:79,784,268, G>A. VCF-style: chr17-79784268-G-A. GRCh37 (hg19) VCF-style: chr17-77758067-G-A.
Identifiers: ClinVar variation 4988199 (VCV004988199.1).

ClinVar aggregate classification (germline): Likely benign (1 of 4 stars; one submission).

Conditions:
CBX2-related disorder. Also called: CBX2-related condition.

gnomAD v4.1: 6 of 1,612,952 alleles (0.00037%); highest among the groups gnomAD compares: African/African-American, 0.0027%; no homozygotes.

Submission:

PreventionGenetics, part of Exact Sciences
Classification: Likely benign for CBX2-related condition. Last evaluated: 2025-08-19. Review status: criteria provided, single submitter. Criteria: ACMG Guidelines, 2015. Collection method: clinical testing. Allele origin: germline.
Comment: This variant is classified as likely benign based on ACMG/AMP sequence variant interpretation guidelines (Richards et al. 2015 PMID: 25741868, with internal and published modifications).